The following is an entry in ClinVar:

NM_000135.4(FANCA):c.1630dup (p.His544fs)

Gene: FANCA (FA complementation group A; minus strand). Cytogenetic location: 16q24.3.
Variant type: Duplication.
Coding change: c.1630dup on transcript NM_000135.4 (MANE Select); coding-DNA position 1630, one base duplicated (C; older notation c.1630dupC).
Protein change: p.His544fs; shifts the reading frame from histidine 544.
Molecular consequence: frameshift variant.
Genome position (GRCh38, 1-based): chr16:89,779,954, G duplicated on the plus strand (C on the coding strand, the reverse complement: FANCA is on the minus strand); the first of 4 consecutive G bases (chr16:89,779,954-89,779,957); duplicating any one gives the same sequence. VCF-style (leftmost placement, unchanged base first): chr16-89779953-T-TG. GRCh37 (hg19) VCF-style: chr16-89846361-T-TG.
Other names: c.1630dup, p.His544fs (NM_001286167.3); c.1630dupC (NM_000135.2); short protein forms H544fs.
Identifiers: ClinVar variation 664949 (VCV000664949.6), dbSNP rs1598129626, ClinGen allele CA915949434.

ClinVar aggregate classification (germline): Pathogenic (1 of 4 stars; one submission).

Conditions:
Fanconi anemia (FA). Also called: Fanconi's anemia. Identifiers: Orphanet 84, MedGen C0015625, MeSH D005199, MONDO:0019391.

Submission:

Labcorp Genetics (formerly Invitae), Labcorp
Classification: Pathogenic for Fanconi anemia. Last evaluated: 2018-12-01. Review status: criteria provided, single submitter. Criteria: Invitae Variant Classification Sherloc (09022015). Collection method: clinical testing. Allele origin: germline.
Comment: This variant has not been reported in the literature in individuals with FANCA-related conditions. This sequence change creates a premature translational stop signal (p.His544Profs*9) in the FANCA gene. It is expected to result in an absent or disrupted protein product. This variant is not present in population databases (ExAC no frequency). Loss-of-function variants in FANCA are known to be pathogenic (PMID: 19367192). For these reasons, this variant has been classified as Pathogenic.

Literature cited by the submitters: PubMed 19367192.